The following is an entry in ClinVar:

NM_145068.4(TRPV3):c.2113A>G (p.Lys705Glu)

Gene: TRPV3 (transient receptor potential cation channel subfamily V member 3; minus strand). Cytogenetic location: 17p13.2.
Variant type: single nucleotide variant.
Coding change: c.2113A>G on transcript NM_145068.4 (MANE Select); coding-DNA position 2113, A replaced by G.
Protein change: p.Lys705Glu; replaces lysine 705 with glutamic acid.
Molecular consequence: missense variant.
Genome position (GRCh38, 1-based): chr17:3,516,542, T>C on the plus strand (A>G on the coding strand, the complement: TRPV3 is on the minus strand). VCF-style: chr17-3516542-T-C. GRCh37 (hg19) VCF-style: chr17-3419836-T-C.
Other names: c.2113A>G, p.Lys705Glu (NM_001258205.2); c.2113A>G (NM_145068.2); short protein forms K705E.
Identifiers: ClinVar variation 2857074 (VCV002857074.6), dbSNP rs371447802, ClinGen allele CA8289217.

ClinVar aggregate classification (germline): Uncertain significance. Review status: criteria provided, multiple submitters, no conflicts (2 of 4 stars). 3 submissions from 3 submitters: Uncertain significance (3). Last evaluated 2026-02-16.

Conditions:
Inborn genetic diseases. Identifiers: MedGen C0950123, MeSH D030342.
Olmsted syndrome 1. Identifiers: Orphanet 659, MedGen C5542829, MONDO:0100296, OMIM 614594.

Allele frequency attached by ClinVar (database versions not stated): ExAC 0.00003; gnomAD 0.00009; gnomAD exomes 0.00001; ESP Exome Variant Server 0.00015; TOPMed 0.00015.
gnomAD v4.1: 27 of 1,613,974 alleles (0.0017%); highest among the groups gnomAD compares: African/African-American, 0.033%; 1 homozygote.

Submissions (3):

Dasa
Classification: Uncertain significance for Olmsted syndrome 1. Last evaluated: 2026-02-16. Review status: criteria provided, single submitter. Criteria: DASA Assertion Criteria. Collection method: clinical testing. Allele origin: germline.
Comment: NM_145068.4(TRPV3):c.2113A>G (p.Lys705Glu) is a missense variant that results in the substitution of lysine with glutamic acid. This variant is rare in population databases. Computational prediction algorithms are consistent with a deleterious effect. The currently available literature and clinical evidence are not sufficient to establish a definitive association between this variant and the reported condition. Therefore, this variant is classified as a variant of uncertain significance.

Ambry Genetics
Classification: Uncertain significance for Inborn genetic diseases. Last evaluated: 2025-11-20. Review status: criteria provided, single submitter. Criteria: Ambry Variant Classification Scheme 2023. Collection method: clinical testing. Allele origin: germline.

Labcorp Genetics (formerly Invitae), Labcorp
Classification: Uncertain significance. Last evaluated: 2023-12-02. Review status: criteria provided, single submitter. Criteria: Invitae Variant Classification Sherloc (09022015). Collection method: clinical testing. Allele origin: germline.
Comment: This sequence change replaces lysine, which is basic and polar, with glutamic acid, which is acidic and polar, at codon 705 of the TRPV3 protein (p.Lys705Glu). This variant is present in population databases (rs371447802, gnomAD 0.03%). This variant has not been reported in the literature in individuals affected with TRPV3-related conditions. An algorithm developed to predict the effect of missense changes on protein structure and function (PolyPhen-2) suggests that this variant is likely to be disruptive. In summary, the available evidence is currently insufficient to determine the role of this variant in disease. Therefore, it has been classified as a Variant of Uncertain Significance.